The following is an entry in ClinVar:

NM_000687.4(AHCY):c.639C>T (p.Gly213=)

Gene: AHCY (adenosylhomocysteinase; minus strand). Cytogenetic location: 20q11.22.
Variant type: single nucleotide variant.
Coding change: c.639C>T on transcript NM_000687.4 (MANE Select); coding-DNA position 639, C replaced by T.
Protein change: p.Gly213=; no amino-acid change (glycine 213 retained).
Molecular consequence: synonymous variant.
Genome position (GRCh38, 1-based): chr20:34,290,858, G>A on the plus strand (C>T on the coding strand, the complement: AHCY is on the minus strand). VCF-style: chr20-34290858-G-A. GRCh37 (hg19) VCF-style: chr20-32878664-G-A.
Other names: c.555C>T, p.Gly185= (NM_001161766.2, NM_001322084.2, NM_001322085.2); c.645C>T, p.Gly215= (NM_001322086.2); c.639C>T, p.Gly213= (NM_001362750.2).
Identifiers: ClinVar variation 386308 (VCV000386308.11), dbSNP rs757357954, ClinGen allele CA9820933.

ClinVar aggregate classification (germline): Conflicting classifications of pathogenicity. Review status: criteria provided, conflicting classifications (1 of 4 stars). 2 submissions from 2 submitters: Uncertain significance (1); Likely benign (1). Last evaluated 2025-04-17.

Conditions:
Hypermethioninemia with deficiency of S-adenosylhomocysteine hydrolase. Identifiers: Orphanet 88618, MedGen C3151058, MONDO:0013404, OMIM 613752.

Allele frequency attached by ClinVar (database versions not stated): gnomAD 0.00001; gnomAD exomes 0.00002 and 0.00011; TOPMed 0.00002; ExAC 0.00004.
gnomAD v4.1: 160 of 1,614,008 alleles (0.0099%); highest among the groups gnomAD compares: Non-Finnish European, 0.013%; no homozygotes.

Submissions (3):

Labcorp Genetics (formerly Invitae), Labcorp
Classification: Likely benign for Hypermethioninemia with deficiency of S-adenosylhomocysteine hydrolase. Last evaluated: 2025-04-17. Review status: criteria provided, single submitter. Criteria: Invitae Variant Classification Sherloc (09022015). Collection method: clinical testing. Allele origin: germline.

GeneDx
Classification: Uncertain significance. Last evaluated: 2020-09-30. Review status: criteria provided, single submitter. Criteria: GeneDx Variant Classification Process June 2021. Collection method: clinical testing. Allele origin: germline. Affected: yes.
Comment: Has not been previously published as pathogenic or benign to our knowledge; In silico analysis, which includes splice predictors and evolutionary conservation, suggests this variant may impact gene splicing. In the absence of RNA/functional studies, the actual effect of this sequence change is unknown.

Dr. Peter K. Rogan Lab, Western University
No classification provided (evidence only). Condition: Familial cancer of breast. Review status: no classification provided. Collection method: in vitro. Allele origin: not applicable. Functional consequence: cryptic splice site. Not counted in ClinVar's aggregate classification.